The following is an entry in ClinVar:

NM_033159.4(HYAL1):c.104del (p.Val35fs)

Gene: HYAL1 (hyaluronidase 1; minus strand). Cytogenetic location: 3p21.31.
Variant type: Deletion.
Coding change: c.104del on transcript NM_033159.4 (MANE Select); coding-DNA position 104, one base deleted (T; older notation c.104delT).
Protein change: p.Val35fs; shifts the reading frame from valine 35.
Molecular consequence: frameshift variant. On other transcripts: non-coding transcript variant (1), intron variant (2).
Genome position (GRCh38, 1-based): chr3:50,302,853, A deleted on the plus strand (T on the coding strand, the reverse complement: HYAL1 is on the minus strand). VCF-style (leftmost placement, unchanged base first): chr3-50302852-GA-G. GRCh37 (hg19) VCF-style: chr3-50340283-GA-G.
Other names: c.104del, p.Val35fs (NM_153281.2, NM_153282.3); c.-27+613del (NM_153285.3); c.-213-230del (NM_153283.3); c.104delT (NM_033159.4); c.104del (NM_153281.1); short protein forms V35fs.
Identifiers: ClinVar variation 1342863 (VCV001342863.5), dbSNP rs2109309063, ClinGen allele CA2573052212.

ClinVar aggregate classification (germline): Pathogenic. Review status: criteria provided, multiple submitters, no conflicts (2 of 4 stars). 3 submissions from 3 submitters: Pathogenic (2). 1 of the submissions does not count toward it. Last evaluated 2025-06-09.

Conditions:
Deficiency of hyaluronoglucosaminidase (MPS9). Also called: Mucopolysaccharidosis type 9; HYALURONIDASE DEFICIENCY; MPS IX. Identifiers: Orphanet 67041, MedGen C1291490, MONDO:0011093, OMIM 601492.

Submissions (3):

Natera, Inc.
Classification: Pathogenic for Mucopolysaccharidosis type IX. Last evaluated: 2025-06-09. Review status: criteria provided, single submitter. Criteria: Natera Variant Classification Schema (03/2026). Collection method: clinical testing. Allele origin: germline.
Comment: The c.104del variant in HYAL1 is a frameshift variant predicted to shift the reading frame beginning at codon 35 and leads to a stop codon 25 codons downstream. This variant is expected to result in nonsense mediated decay, truncation, or a dysfunctional protein product. This variant is rare in the general population with a frequency below the threshold expected for the associated phenotype(s). This variant has been observed in one or more individuals affected with the associated recessive disease, as either homozygous or compound heterozygous with a second variant (PMID: 21559944). Given the available evidence, this variant is classified as Pathogenic.

Labcorp Genetics (formerly Invitae), Labcorp
Classification: Pathogenic for Deficiency of hyaluronoglucosaminidase. Last evaluated: 2023-04-04. Review status: criteria provided, single submitter. Criteria: Invitae Variant Classification Sherloc (09022015). Collection method: clinical testing. Allele origin: germline.
Comment: ClinVar contains an entry for this variant (Variation ID: 1342863). For these reasons, this variant has been classified as Pathogenic. This premature translational stop signal has been observed in individual(s) with mucopolysaccharidosis (PMID: 21559944). This sequence change creates a premature translational stop signal (p.Val35Alafs*25) in the HYAL1 gene. It is expected to result in an absent or disrupted protein product. Loss-of-function variants in HYAL1 are known to be pathogenic (PMID: 10339581, 21559944). This variant is not present in population databases (gnomAD no frequency).

OMIM
Classification: Pathogenic for MUCOPOLYSACCHARIDOSIS, TYPE IX. Last evaluated: 2022-03-01. Review status: no assertion criteria provided. Collection method: literature only. Allele origin: germline. Not counted in ClinVar's aggregate classification.

Literature cited by the submitters: PubMed 21559944 (cited by 3 submitters); PubMed 10339581 (cited by Labcorp Genetics (formerly Invitae), Labcorp).